The following is an entry in ClinVar:

ClinVar aggregate classification (germline): Uncertain significance (1 of 4 stars; one submission).

Conditions:
Tuberous sclerosis 2 (TSC2). Identifiers: Orphanet 805, MedGen C1860707, MONDO:0013199, OMIM 613254.

Submission:

Labcorp Genetics (formerly Invitae), Labcorp
Classification: Uncertain significance for Tuberous sclerosis 2. Last evaluated: 2023-07-13. Review status: criteria provided, single submitter. Criteria: Invitae Variant Classification Sherloc (09022015). Collection method: clinical testing. Allele origin: germline.
Comment: In summary, the available evidence is currently insufficient to determine the role of this variant in disease. Therefore, it has been classified as a Variant of Uncertain Significance. Advanced modeling of protein sequence and biophysical properties (such as structural, functional, and spatial information, amino acid conservation, physicochemical variation, residue mobility, and thermodynamic stability) performed at Invitae indicates that this missense variant is not expected to disrupt TSC2 protein function. This variant has not been reported in the literature in individuals affected with TSC2-related conditions. This variant is not present in population databases (gnomAD no frequency). This sequence change replaces threonine, which is neutral and polar, with lysine, which is basic and polar, at codon 1330 of the TSC2 protein (p.Thr1330Lys).

NM_000548.5(TSC2):c.3989C>A (p.Thr1330Lys)

Gene: TSC2 (TSC complex subunit 2; plus strand). Cytogenetic location: 16p13.3.
Variant type: single nucleotide variant.
Coding change: c.3989C>A on transcript NM_000548.5 (MANE Select); coding-DNA position 3989, C replaced by A.
Protein change: p.Thr1330Lys; replaces threonine 1330 with lysine.
Molecular consequence: missense variant. On other transcripts: non-coding transcript variant (5).
Genome position (GRCh38, 1-based): chr16:2,083,800, C>A. VCF-style: chr16-2083800-C-A. GRCh37 (hg19) VCF-style: chr16-2133801-C-A.
Other names: c.2444C>A, p.Thr815Lys (NM_001406696.1, NM_001406697.1, NM_001406695.1); c.2186C>A, p.Thr729Lys (NM_001406698.1); c.3860C>A, p.Thr1287Lys (NM_021055.3, NM_001370405.1); c.3788C>A, p.Thr1263Lys (NM_001077183.3); c.3920C>A, p.Thr1307Lys (NM_001114382.3); c.3680C>A, p.Thr1227Lys (NM_001318827.2); c.3644C>A, p.Thr1215Lys (NM_001318829.2); c.3257C>A, p.Thr1086Lys (NM_001318831.2); and 26 more; short protein forms T1214K, T1257K, T1274K, T1286K, T1293K, T1294K, T1107K, T1110K.
Identifiers: ClinVar variation 2742840 (VCV002742840.3), dbSNP rs397515209, ClinGen allele CA394297708.